The following is an entry in ClinVar:

NM_153460.4(IL17RC):c.233C>A (p.Thr78Asn)

Gene: IL17RC (interleukin 17 receptor C; plus strand). Cytogenetic location: 3p25.3.
Variant type: single nucleotide variant.
Coding change: c.233C>A on transcript NM_153460.4 (MANE Select); coding-DNA position 233, C replaced by A.
Protein change: p.Thr78Asn; replaces threonine 78 with asparagine.
Molecular consequence: missense variant. On other transcripts: non-coding transcript variant (1).
Genome position (GRCh38, 1-based): chr3:9,918,028, C>A. VCF-style: chr3-9918028-C-A. GRCh37 (hg19) VCF-style: chr3-9959712-C-A.
Other names: c.233C>A, p.Thr78Asn (NM_001203263.2, NM_001203264.2, NM_001203265.2 and 4 more transcripts); c.446C>A, p.Thr149Asn (NM_153461.4); short protein forms T149N, T78N.
Identifiers: ClinVar variation 1055455 (VCV001055455.5), dbSNP rs759641491, ClinGen allele CA2246773.

ClinVar aggregate classification (germline): Uncertain significance (1 of 4 stars; one submission).

Conditions:
Candidiasis, familial, 9 (CANDF9). Identifiers: Orphanet 1334, MedGen C4225324, MONDO:0014642, OMIM 616445.

Allele frequency attached by ClinVar (database versions not stated): gnomAD exomes below 0.00001 and 0.00001; ExAC 0.00001.
gnomAD v4.1: 6 of 1,609,692 alleles (0.00037%); highest among the groups gnomAD compares: Admixed American, 0.0067%; no homozygotes.

Submission:

Labcorp Genetics (formerly Invitae), Labcorp
Classification: Uncertain significance for Candidiasis, familial, 9. Last evaluated: 2023-04-28. Review status: criteria provided, single submitter. Criteria: Invitae Variant Classification Sherloc (09022015). Collection method: clinical testing. Allele origin: germline.
Comment: In summary, the available evidence is currently insufficient to determine the role of this variant in disease. Therefore, it has been classified as a Variant of Uncertain Significance. An algorithm developed to predict the effect of missense changes on protein structure and function (PolyPhen-2) suggests that this variant is likely to be tolerated. ClinVar contains an entry for this variant (Variation ID: 1055455). This variant has not been reported in the literature in individuals affected with IL17RC-related conditions. This variant is present in population databases (rs759641491, gnomAD 0.009%). This sequence change replaces threonine, which is neutral and polar, with asparagine, which is neutral and polar, at codon 149 of the IL17RC protein (p.Thr149Asn).